The following is an entry in ClinVar:

NM_001174089.2(SLC4A11):c.44-321C>A

Gene: SLC4A11 (solute carrier family 4 member 11; minus strand). Cytogenetic location: 20p13.
Variant type: single nucleotide variant.
Coding change: c.44-321C>A on transcript NM_001174089.2 (MANE Select); 321 bases into the intron before coding-DNA position 44, C replaced by A.
Molecular consequence: intron variant. On other transcripts: synonymous variant (1).
Genome position (GRCh38, 1-based): chr20:3,237,909, G>T on the plus strand (C>A on the coding strand, the complement: SLC4A11 is on the minus strand). VCF-style: chr20-3237909-G-T. GRCh37 (hg19) VCF-style: chr20-3218555-G-T.
Other names: c.156C>A, p.Thr52= (NM_001174090.2); c.44-321C>A (NM_001363745.2).
Identifiers: ClinVar variation 805461 (VCV000805461.5), dbSNP rs112505411, ClinGen allele CA9742523.

ClinVar aggregate classification (germline): Likely benign. Review status: criteria provided, multiple submitters, no conflicts (2 of 4 stars). 4 submissions from 4 submitters: Likely benign (4). Last evaluated 2026-09-01.

Conditions:
SLC4A11-related disorder. Also called: SLC4A11-related condition.

Allele frequency attached by ClinVar (database versions not stated): ExAC 0.00026; gnomAD exomes 0.00058 and 0.00166; 1000 Genomes Project 0.00060; TOPMed 0.00099; 1000 Genomes Project 30x 0.00062; gnomAD 0.00074 and 0.00078.
gnomAD v4.1: 2,490 of 1,550,668 alleles (0.16%); highest among the groups gnomAD compares: Non-Finnish European, 0.2%; 8 homozygotes.

Submissions (4):

CeGaT Center for Human Genetics Tuebingen
Classification: Likely benign. Last evaluated: 2026-09-01. Review status: criteria provided, single submitter. Criteria: CeGaT Center For Human Genetics Tuebingen Variant Classification Criteria Version 2. Collection method: clinical testing. Allele origin: germline. Affected: yes. Observed: 2 variant alleles.
Comment: SLC4A11: BP4, BP7

PreventionGenetics, part of Exact Sciences
Classification: Likely benign for SLC4A11-related condition. Last evaluated: 2024-10-18. Review status: criteria provided, single submitter. Criteria: ACMG Guidelines, 2015. Collection method: clinical testing. Allele origin: germline.
Comment: This variant is classified as likely benign based on ACMG/AMP sequence variant interpretation guidelines (Richards et al. 2015 PMID: 25741868, with internal and published modifications).

Blueprint Genetics
Classification: Likely benign. Last evaluated: 2024-10-14. Review status: criteria provided, single submitter. Criteria: ACMG Guidelines, 2015. Collection method: clinical testing. Allele origin: germline.

Athena Diagnostics
Classification: Likely benign. Last evaluated: 2018-11-16. Review status: criteria provided, single submitter. Criteria: Athena Diagnostics Criteria. Collection method: clinical testing. Allele origin: germline.